The following is an entry in ClinVar:

NM_001326411.2(PISD):c.284G>A (p.Gly95Glu)

Gene: PISD (phosphatidylserine decarboxylase; minus strand). Cytogenetic location: 22q12.2.
Variant type: single nucleotide variant.
Coding change: c.284G>A on transcript NM_001326411.2 (MANE Select); coding-DNA position 284, G replaced by A.
Protein change: p.Gly95Glu; replaces glycine 95 with glutamic acid.
Molecular consequence: missense variant. On other transcripts: 5 prime UTR variant (4).
Genome position (GRCh38, 1-based): chr22:31,648,138, C>T on the plus strand (G>A on the coding strand, the complement: PISD is on the minus strand). VCF-style: chr22-31648138-C-T. GRCh37 (hg19) VCF-style: chr22-32044124-C-T.
Other names: c.284G>A, p.Gly95Glu (NM_001326412.1, NM_001326421.1); c.55G>A, p.Asp19Asn (NM_001326413.2, NM_001326414.2); c.-239G>A (NM_001326415.2, NM_001326417.2, NM_001326419.2); c.-348G>A (NM_001326416.2); c.104G>A, p.Gly35Glu (NM_001326418.2, NM_001326420.2); short protein forms G95E, D19N, G35E.
Identifiers: ClinVar variation 1936873 (VCV001936873.5), dbSNP rs1170065645, ClinGen allele CA411295601.

ClinVar aggregate classification (germline): Uncertain significance (1 of 4 stars; one submission).

gnomAD v4.1: 1 of 1,612,214 alleles (0.000062%); highest among the groups gnomAD compares: Non-Finnish European, 0.000085%; no homozygotes.

Submission:

Labcorp Genetics (formerly Invitae), Labcorp
Classification: Uncertain significance. Last evaluated: 2022-07-19. Review status: criteria provided, single submitter. Criteria: Invitae Variant Classification Sherloc (09022015). Collection method: clinical testing. Allele origin: germline.
Comment: Algorithms developed to predict the effect of missense changes on protein structure and function are either unavailable or do not agree on the potential impact of this missense change (SIFT: "Not Available"; PolyPhen-2: "Benign"; Align-GVGD: "Not Available"). In summary, the available evidence is currently insufficient to determine the role of this variant in disease. Therefore, it has been classified as a Variant of Uncertain Significance. This sequence change replaces glycine, which is neutral and non-polar, with glutamic acid, which is acidic and polar, at codon 95 of the PISD protein (p.Gly95Glu). This variant is not present in population databases (gnomAD no frequency). This variant has not been reported in the literature in individuals affected with PISD-related conditions.